The following is an entry in ClinVar:

ClinVar aggregate classification (germline): Benign/Likely benign. Review status: criteria provided, multiple submitters, no conflicts (2 of 4 stars). 4 submissions from 4 submitters: Benign (1); Likely benign (3). Last evaluated 2024-12-25.

Conditions:
Hereditary cancer-predisposing syndrome. Also called: Hereditary Cancer Syndrome; Neoplastic Syndromes, Hereditary; Tumor predisposition; Hereditary neoplastic syndrome. Identifiers: Orphanet 140162, MedGen C0027672, MeSH D009386, MONDO:0015356.
BAP1-related tumor predisposition syndrome (TPDS1). Also called: Tumor susceptibility linked to germline BAP1 mutations; BAP1 tumor predisposition syndrome; COMMON Syndrome; TUMOR PREDISPOSITION SYNDROME 1. Identifiers: Orphanet 289539, MedGen C3280492, MONDO:0013692, OMIM 614327.

Allele frequency attached by ClinVar (database versions not stated): gnomAD exomes below 0.00001 and 0.00001.

Submissions (4):

Labcorp Genetics (formerly Invitae), Labcorp
Classification: Likely benign for BAP1-related tumor predisposition syndrome. Last evaluated: 2024-12-25. Review status: criteria provided, single submitter. Criteria: Invitae Variant Classification Sherloc (09022015). Collection method: clinical testing. Allele origin: germline.

Myriad Genetics, Inc.
Classification: Benign for BAP1-related tumor predisposition syndrome. Last evaluated: 2024-07-15. Review status: criteria provided, single submitter. Criteria: Myriad Autosomal Dominant, Autosomal Recessive and X-Linked Classification Criteria (2023). Collection method: clinical testing. Allele origin: unknown.
Comment: This variant is considered benign. This variant is a silent/synonymous amino acid change and it is not expected to impact splicing.

Ambry Genetics
Classification: Likely benign for Hereditary cancer-predisposing syndrome. Last evaluated: 2024-05-30. Review status: criteria provided, single submitter. Criteria: Ambry Variant Classification Scheme 2023. Collection method: clinical testing. Allele origin: germline.

Color Diagnostics, LLC DBA Color Health
Classification: Likely benign for Hereditary cancer-predisposing syndrome. Last evaluated: 2017-05-26. Review status: criteria provided, single submitter. Criteria: ACMG Guidelines, 2015. Collection method: clinical testing. Allele origin: germline.

NM_004656.4(BAP1):c.1081C>T (p.Leu361=)

Gene: BAP1 (BRCA1 associated deubiquitinase 1; minus strand). Cytogenetic location: 3p21.1.
Variant type: single nucleotide variant.
Coding change: c.1081C>T on transcript NM_004656.4 (MANE Select); coding-DNA position 1081, C replaced by T.
Protein change: p.Leu361=; no amino-acid change (leucine 361 retained).
Molecular consequence: synonymous variant.
Genome position (GRCh38, 1-based): chr3:52,405,145, G>A on the plus strand (C>T on the coding strand, the complement: BAP1 is on the minus strand). VCF-style: chr3-52405145-G-A. GRCh37 (hg19) VCF-style: chr3-52439161-G-A.
Other names: c.1081C>T (NM_004656.2).
Identifiers: ClinVar variation 490768 (VCV000490768.9), dbSNP rs1460743052, ClinGen allele CA433774705.